The following is an entry in ClinVar:

ClinVar aggregate classification (germline): Uncertain significance (1 of 4 stars; one submission).

gnomAD v4.1: 20 of 1,613,970 alleles (0.0012%); highest among the groups gnomAD compares: African/African-American, 0.0027%; no homozygotes.

Submission:

CeGaT Center for Human Genetics Tuebingen
Classification: Uncertain significance. Last evaluated: 2023-03-01. Review status: criteria provided, single submitter. Criteria: CeGaT Center For Human Genetics Tuebingen Variant Classification Criteria Version 2. Collection method: clinical testing. Allele origin: germline. Affected: yes. Observed: 1 variant allele.
Comment: LRP2: PM2, BP4

NM_004525.3(LRP2):c.13880C>G (p.Ser4627Trp)

Gene: LRP2 (LDL receptor related protein 2; minus strand). Cytogenetic location: 2q31.1.
Variant type: single nucleotide variant.
Coding change: c.13880C>G on transcript NM_004525.3 (MANE Select); coding-DNA position 13880, C replaced by G.
Protein change: p.Ser4627Trp; replaces serine 4627 with tryptophan.
Molecular consequence: missense variant.
Genome position (GRCh38, 1-based): chr2:169,128,751, G>C on the plus strand (C>G on the coding strand, the complement: LRP2 is on the minus strand). VCF-style: chr2-169128751-G-C. GRCh37 (hg19) VCF-style: chr2-169985261-G-C.
Other names: short protein forms S4627W.
Identifiers: ClinVar variation 2651519 (VCV002651519.24), dbSNP rs191145030, ClinGen allele CA59911118.